The following is an entry in ClinVar:

NM_032043.3(BRIP1):c.1138del (p.Ser380fs)

Gene: BRIP1 (BRCA1 interacting DNA helicase 1; minus strand). Cytogenetic location: 17q23.2.
Variant type: Deletion.
Coding change: c.1138del on transcript NM_032043.3 (MANE Select); coding-DNA position 1138, one base deleted (A; older notation c.1138delA).
Protein change: p.Ser380fs; shifts the reading frame from serine 380.
Molecular consequence: frameshift variant.
Genome position (GRCh38, 1-based): chr17:61,801,255, T deleted on the plus strand (A on the coding strand, the reverse complement: BRIP1 is on the minus strand); the first of 3 consecutive T bases (chr17:61,801,255-61,801,257); deleting any one gives the same sequence. VCF-style (leftmost placement, unchanged base first): chr17-61801254-CT-C. GRCh37 (hg19) VCF-style: chr17-59878615-CT-C.
Other names: c.1138delA (NM_032043.2); short protein forms S380fs.
Identifiers: ClinVar variation 943764 (VCV000943764.13), dbSNP rs2077985927, ClinGen allele CA1139665792.

ClinVar aggregate classification (germline): Pathogenic/Likely pathogenic. Review status: criteria provided, multiple submitters, no conflicts (2 of 4 stars). 4 submissions from 4 submitters: Pathogenic (3); Likely pathogenic (1). Last evaluated 2025-07-03.

Conditions:
Hereditary cancer-predisposing syndrome. Also called: Neoplastic Syndromes, Hereditary; Tumor predisposition; Hereditary neoplastic syndrome; Hereditary Cancer Syndrome. Identifiers: Orphanet 140162, MedGen C0027672, MeSH D009386, MONDO:0015356.
Familial cancer of breast. Also called: BREAST CANCER, FAMILIAL; Hereditary breast cancer; hereditary breast carcinoma. Identifiers: Orphanet 227535, MedGen C0346153, MONDO:0016419, OMIM 114480. Disease mechanism: loss of function.
Fanconi anemia complementation group J. Also called: BRIP1-Related Fanconi Anemia. Identifiers: Orphanet 84, MedGen C1836860, MONDO:0012187, OMIM 609054.

Submissions (4):

Ambry Genetics
Classification: Pathogenic for Hereditary cancer-predisposing syndrome. Last evaluated: 2025-07-03. Review status: criteria provided, single submitter. Criteria: Ambry Variant Classification Scheme 2023. Collection method: clinical testing. Allele origin: germline.
Comment: The c.1138delA pathogenic mutation, located in coding exon 7 of the BRIP1 gene, results from a deletion of one nucleotide at nucleotide position 1138, causing a translational frameshift with a predicted alternate stop codon (p.S380Vfs*4). This variant is considered to be rare based on population cohorts in the Genome Aggregation Database (gnomAD). This alteration is expected to result in loss of function by premature protein truncation or nonsense-mediated mRNA decay. As such, this alteration is interpreted as a disease-causing mutation.

Labcorp Genetics (formerly Invitae), Labcorp
Classification: Pathogenic for Familial cancer of breast; Fanconi anemia complementation group J. Last evaluated: 2023-07-10. Review status: criteria provided, single submitter. Criteria: Invitae Variant Classification Sherloc (09022015). Collection method: clinical testing. Allele origin: germline.
Comment: This sequence change creates a premature translational stop signal (p.Ser380Valfs*4) in the BRIP1 gene. It is expected to result in an absent or disrupted protein product. Loss-of-function variants in BRIP1 are known to be pathogenic (PMID: 16116423, 17033622, 21964575). This variant is not present in population databases (gnomAD no frequency). This variant has not been reported in the literature in individuals affected with BRIP1-related conditions. ClinVar contains an entry for this variant (Variation ID: 943764). For these reasons, this variant has been classified as Pathogenic.

Myriad Genetics, Inc.
Classification: Pathogenic for Familial cancer of breast. Last evaluated: 2023-06-01. Review status: criteria provided, single submitter. Criteria: Myriad Autosomal Dominant, Autosomal Recessive and X-Linked Classification Criteria (2023). Collection method: clinical testing. Allele origin: unknown.
Comment: This variant is considered pathogenic. This variant creates a frameshift predicted to result in premature protein truncation.

Juno Genomics, Hangzhou Juno Genomics, Inc
Classification: Likely pathogenic for Familial cancer of breast; Fanconi anemia complementation group J. Review status: criteria provided, single submitter. Criteria: ACMG Guidelines, 2015. Collection method: clinical testing. Allele origin: germline.
Comment: Null variant in a gene where loss of function (LOF) is a known mechanism of disease.;Absent from controls (or at extremely low frequency if recessive) in Genome Aggregation Database.

Literature cited by the submitters: PubMed 16116423 (cited by Labcorp Genetics (formerly Invitae), Labcorp); PubMed 17033622 (cited by Labcorp Genetics (formerly Invitae), Labcorp); PubMed 21964575 (cited by Labcorp Genetics (formerly Invitae), Labcorp).